The following is an entry in ClinVar:

ClinVar aggregate classification (germline): Uncertain significance (1 of 4 stars; one submission).

Conditions:
Myopathy. Identifiers: MedGen C0026848, MeSH D009135, MONDO:0005336, HP:0003198.

Allele frequency attached by ClinVar (database versions not stated): gnomAD exomes below 0.00001; ExAC 0.00001.
gnomAD v4.1: 1 of 1,613,414 alleles (0.000062%); highest among the groups gnomAD compares: South Asian, 0.0011%; no homozygotes.

Submission:

Human Genetics Bochum, Ruhr University Bochum
Classification: Uncertain significance for Myopathy. Last evaluated: 2022-08-08. Review status: criteria provided, single submitter. Criteria: ACMG Guidelines, 2015. Collection method: clinical testing. Allele origin: germline. Affected: yes.
Comment: ACMG criteria used to clasify this variant: PM2_SUP, PP2, PP3

NM_004453.4(ETFDH):c.911A>G (p.Tyr304Cys)

Gene: ETFDH (electron transfer flavoprotein dehydrogenase; plus strand). Cytogenetic location: 4q32.1.
Variant type: single nucleotide variant.
Coding change: c.911A>G on transcript NM_004453.4 (MANE Select); coding-DNA position 911, A replaced by G.
Protein change: p.Tyr304Cys; replaces tyrosine 304 with cysteine.
Molecular consequence: missense variant.
Genome position (GRCh38, 1-based): chr4:158,697,638, A>G. VCF-style: chr4-158697638-A-G. GRCh37 (hg19) VCF-style: chr4-159618790-A-G.
Other names: c.770A>G, p.Tyr257Cys (NM_001281737.2); c.728A>G, p.Tyr243Cys (NM_001281738.1); short protein forms Y243C, Y257C, Y304C.
Identifiers: ClinVar variation 1801698 (VCV001801698.1), dbSNP rs776108871, ClinGen allele CA3122494.